The following is an entry in ClinVar:

NM_001365480.1(CCDC88A):c.952A>G (p.Lys318Glu)

Gene: CCDC88A (coiled-coil and HOOK domain protein 88A; minus strand). Cytogenetic location: 2p16.1.
Variant type: single nucleotide variant.
Coding change: c.952A>G on transcript NM_001365480.1 (MANE Select); coding-DNA position 952, A replaced by G.
Protein change: p.Lys318Glu; replaces lysine 318 with glutamic acid.
Molecular consequence: missense variant.
Genome position (GRCh38, 1-based): chr2:55,346,264, T>C on the plus strand (A>G on the coding strand, the complement: CCDC88A is on the minus strand). VCF-style: chr2-55346264-T-C. GRCh37 (hg19) VCF-style: chr2-55573400-T-C.
Other names: c.952A>G, p.Lys318Glu (NM_001135597.2, NM_001254943.2, NM_018084.5); short protein forms K318E.
Identifiers: ClinVar variation 1524717 (VCV001524717.8), dbSNP rs1283470266, ClinGen allele CA346907060.
Genomic context (GRCh38, chr2:55,346,264, plus strand): 5'-CATGTAGTCTCTCTTTATATCTGCTGACTTCACTTTCAAGCTTATCGACTCTGACTGCTT[T>C]CTCTCGAAGTGCATCTAATTCATCTCGGTACATTCTGGCAGAGCGAGCATCCGAAAGCAA-3'
Protein context (NP_001352409.1, residues 308-328): YRDELDALRE[Lys318Glu]AVRVDKLESE

ClinVar aggregate classification (germline): Uncertain significance (1 of 4 stars; one submission).

Allele frequency attached by ClinVar (database versions not stated): gnomAD exomes below 0.00001; TOPMed below 0.00001; gnomAD 0.00001.
gnomAD v4.1: 2 of 1,611,998 alleles (0.00012%); highest among the groups gnomAD compares: Non-Finnish European, 0.00017%; no homozygotes.

Submission:

Labcorp Genetics (formerly Invitae), Labcorp
Classification: Uncertain significance. Last evaluated: 2022-02-04. Review status: criteria provided, single submitter. Criteria: Invitae Variant Classification Sherloc (09022015). Collection method: clinical testing. Allele origin: germline.
Comment: In summary, the available evidence is currently insufficient to determine the role of this variant in disease. Therefore, it has been classified as a Variant of Uncertain Significance. Algorithms developed to predict the effect of missense changes on protein structure and function are either unavailable or do not agree on the potential impact of this missense change (SIFT: "Deleterious"; PolyPhen-2: "Probably Damaging"; Align-GVGD: "Class C0"). This variant has not been reported in the literature in individuals affected with CCDC88A-related conditions. This variant is not present in population databases (gnomAD no frequency). This sequence change replaces lysine, which is basic and polar, with glutamic acid, which is acidic and polar, at codon 318 of the CCDC88A protein (p.Lys318Glu).